The following is an entry in ClinVar:

ClinVar aggregate classification (germline): Uncertain significance. Review status: criteria provided, multiple submitters, no conflicts (2 of 4 stars). 2 submissions from 2 submitters: Uncertain significance (2). Last evaluated 2023-01-26.

Allele frequency attached by ClinVar (database versions not stated): gnomAD exomes below 0.00001.
gnomAD v4.1: 4 of 1,421,996 alleles (0.00028%); highest among the groups gnomAD compares: South Asian, 0.0014%; no homozygotes.

Submissions (2):

Labcorp Genetics (formerly Invitae), Labcorp
Classification: Uncertain significance. Last evaluated: 2023-01-26. Review status: criteria provided, single submitter. Criteria: Invitae Variant Classification Sherloc (09022015). Collection method: clinical testing. Allele origin: germline.
Comment: This sequence change replaces serine, which is neutral and polar, with threonine, which is neutral and polar, at codon 12 of the RASA2 protein (p.Ser12Thr). This variant is not present in population databases (gnomAD no frequency). This variant has not been reported in the literature in individuals affected with RASA2-related conditions. ClinVar contains an entry for this variant (Variation ID: 1732058). Algorithms developed to predict the effect of missense changes on protein structure and function are either unavailable or do not agree on the potential impact of this missense change (SIFT: "Tolerated"; PolyPhen-2: "Not Available"; Align-GVGD: "Class C0"). In summary, the available evidence is currently insufficient to determine the role of this variant in disease. Therefore, it has been classified as a Variant of Uncertain Significance.

Ambry Genetics
Classification: Uncertain significance. Last evaluated: 2021-11-14. Review status: criteria provided, single submitter. Criteria: Ambry Variant Classification Scheme 2023. Collection method: clinical testing. Allele origin: germline.
Comment: The p.S12T variant (also known as c.34T>A), located in coding exon 1 of the RASA2 gene, results from a T to A substitution at nucleotide position 34. The serine at codon 12 is replaced by threonine, an amino acid with similar properties. This amino acid position is conserved. In addition, this alteration is predicted to be tolerated by in silico analysis. Since supporting evidence is limited at this time, the clinical significance of this alteration remains unclear.

NM_006506.5(RASA2):c.34T>A (p.Ser12Thr)

Genes: RASA2 (RAS p21 protein activator 2; plus strand), LOC129937686 (ATAC-STARR-seq lymphoblastoid silent region 14777; plus strand). Cytogenetic location: 3q23.
Variant type: single nucleotide variant.
Coding change: c.34T>A on transcript NM_006506.5 (MANE Select); coding-DNA position 34, T replaced by A.
Protein change: p.Ser12Thr; replaces serine 12 with threonine.
Molecular consequence: missense variant.
Genome position (GRCh38, 1-based): chr3:141,487,117, T>A. VCF-style: chr3-141487117-T-A. GRCh37 (hg19) VCF-style: chr3-141205959-T-A.
Other names: c.34T>A, p.Ser12Thr (NM_001303245.3, NM_001303246.3); short protein forms S12T.
Identifiers: ClinVar variation 1732058 (VCV001732058.5), dbSNP rs2478325116, ClinGen allele CA354773556.
Genomic context (GRCh38, chr3:141,487,117, plus strand): 5'-GGGCTGCGGCACGGGCCGGGCGGCACCATGGCGGCGGCGGCGCCTGCTGCTGCGGCGGCT[T>A]CTTCCGAGGCGCCAGCGGCGAGTGCGACTGCAGAGCCCGAGGCCGGGGACCAGGACAGTC-3'
Protein context (NP_006497.2, residues 2-22): AAAAPAAAAA[Ser12Thr]SEAPAASATA